The following is an entry in ClinVar:

ClinVar aggregate classification (germline): Likely pathogenic (1 of 4 stars; one submission).

Submission:

Labcorp Genetics (formerly Invitae), Labcorp
Classification: Likely pathogenic. Last evaluated: 2025-11-27. Review status: criteria provided, single submitter. Criteria: Invitae Variant Classification Sherloc (09022015). Collection method: clinical testing. Allele origin: germline.
Comment: This sequence change replaces asparagine, which is neutral and polar, with isoleucine, which is neutral and non-polar, at codon 14 of the GJB2 protein (p.Asn14Ile). This variant is not present in population databases (gnomAD no frequency). This variant has not been reported in the literature in individuals affected with GJB2-related conditions. Invitae Evidence Modeling of protein sequence and biophysical properties (such as structural, functional, and spatial information, amino acid conservation, physicochemical variation, residue mobility, and thermodynamic stability) indicates that this missense variant is expected to disrupt GJB2 protein function with a positive predictive value of 95%. This variant disrupts the p.Asn14 amino acid residue in GJB2. Other variant(s) that disrupt this residue have been determined to be pathogenic (PMID: 17041897). This suggests that this residue is clinically significant, and that variants that disrupt this residue are likely to be disease-causing. In summary, the currently available evidence indicates that the variant is pathogenic, but additional data are needed to prove that conclusively. Therefore, this variant has been classified as Likely Pathogenic.

Literature cited by the submitters: PubMed 17041897.

NM_004004.6(GJB2):c.41A>T (p.Asn14Ile)

Gene: GJB2 (gap junction protein beta 2; minus strand). Cytogenetic location: 13q12.11.
Variant type: single nucleotide variant.
Coding change: c.41A>T on transcript NM_004004.6 (MANE Select); coding-DNA position 41, A replaced by T.
Protein change: p.Asn14Ile; replaces asparagine 14 with isoleucine.
Molecular consequence: missense variant.
Genome position (GRCh38, 1-based): chr13:20,189,541, T>A on the plus strand (A>T on the coding strand, the complement: GJB2 is on the minus strand). VCF-style: chr13-20189541-T-A. GRCh37 (hg19) VCF-style: chr13-20763680-T-A.
Other names: short protein forms N14I.
Identifiers: ClinVar variation 4802249 (VCV004802249.1).